The following is an entry in ClinVar:

NM_001276345.2(TNNT2):c.295G>C (p.Asp99His)

Gene: TNNT2 (troponin T2, cardiac type; minus strand). Cytogenetic location: 1q32.1.
Variant type: single nucleotide variant.
Coding change: c.295G>C on transcript NM_001276345.2 (MANE Select); coding-DNA position 295, G replaced by C.
Protein change: p.Asp99His; replaces aspartic acid 99 with histidine.
Molecular consequence: missense variant. On other transcripts: intron variant (1).
Genome position (GRCh38, 1-based): chr1:201,365,307, C>G on the plus strand (G>C on the coding strand, the complement: TNNT2 is on the minus strand). VCF-style: chr1-201365307-C-G. GRCh37 (hg19) VCF-style: chr1-201334435-C-G.
Other names: c.295G>C, p.Asp99His (NM_000364.4, NM_001406723.1); c.265G>C, p.Asp89His (NM_001001430.3, NM_001001431.3, NM_001276347.2 and 3 more transcripts); c.250G>C, p.Asp84His (NM_001001432.3, NM_001406728.1); c.262G>C, p.Asp88His (NM_001406725.1); c.291+303G>C (NM_001276346.2); short protein forms D84H, D88H, D89H, D99H.
Identifiers: ClinVar variation 1717790 (VCV001717790.6), dbSNP rs2527017662, ClinGen allele CA344206620.

ClinVar aggregate classification (germline): Uncertain significance (1 of 4 stars; one submission).

Conditions:
Dilated cardiomyopathy 1D. Identifiers: Orphanet 154, Orphanet 54260, MedGen C1832243, MONDO:0011095, OMIM 601494.
Hypertrophic cardiomyopathy 2. Also called: TNNT2-Related Familial Hypertrophic Cardiomyopathy. Identifiers: MedGen C1861864, MONDO:0007266, OMIM 115195.
Cardiomyopathy, familial restrictive, 3. Identifiers: Orphanet 75249, MedGen C2676271, MONDO:0012900, OMIM 612422.

Submission:

Labcorp Genetics (formerly Invitae), Labcorp
Classification: Uncertain significance for Cardiomyopathy, familial restrictive, 3; Hypertrophic cardiomyopathy 2; Dilated cardiomyopathy 1D. Last evaluated: 2022-10-01. Review status: criteria provided, single submitter. Criteria: Invitae Variant Classification Sherloc (09022015). Collection method: clinical testing. Allele origin: germline.
Comment: This variant has not been reported in the literature in individuals affected with TNNT2-related conditions. In summary, the available evidence is currently insufficient to determine the role of this variant in disease. Therefore, it has been classified as a Variant of Uncertain Significance. Algorithms developed to predict the effect of sequence changes on RNA splicing suggest that this variant may disrupt the consensus splice site. Algorithms developed to predict the effect of missense changes on protein structure and function are either unavailable or do not agree on the potential impact of this missense change (SIFT: "Deleterious"; PolyPhen-2: "Probably Damaging"; Align-GVGD: "Class C0"). This variant is not present in population databases (gnomAD no frequency). This sequence change replaces aspartic acid, which is acidic and polar, with histidine, which is basic and polar, at codon 89 of the TNNT2 protein (p.Asp89His).